The following is an entry in ClinVar:

ClinVar aggregate classification (germline): Uncertain significance. Review status: criteria provided, multiple submitters, no conflicts (2 of 4 stars). 2 submissions from 2 submitters: Uncertain significance (2). Last evaluated 2025-09-22.

Conditions:
Inborn genetic diseases. Identifiers: MedGen C0950123, MeSH D030342.

gnomAD v4.1: 1 of 1,608,030 alleles (0.000062%); highest among the groups gnomAD compares: Admixed American, 0.0017%; no homozygotes.

Submissions (2):

Ambry Genetics
Classification: Uncertain significance for Inborn genetic diseases. Last evaluated: 2025-09-22. Review status: criteria provided, single submitter. Criteria: Ambry Variant Classification Scheme 2023. Collection method: clinical testing. Allele origin: germline.
Comment: The c.514G>A (p.E172K) alteration is located in exon 5 (coding exon 4) of the LARP7 gene. This alteration results from a G to A substitution at nucleotide position 514, causing the glutamic acid (E) at amino acid position 172 to be replaced by a lysine (K). This variant was not reported in population-based cohorts in the Genome Aggregation Database (gnomAD). This amino acid position is highly conserved in available vertebrate species. The in silico prediction for this alteration is inconclusive. Based on insufficient or conflicting evidence, the clinical significance of this alteration remains unclear.

GeneDx
Classification: Uncertain significance. Last evaluated: 2023-06-27. Review status: criteria provided, single submitter. Criteria: GeneDx Variant Classification Process June 2021. Collection method: clinical testing. Allele origin: germline. Affected: yes.
Comment: Not observed at significant frequency in large population cohorts (gnomAD); In silico analysis supports that this missense variant has a deleterious effect on protein structure/function; Has not been previously published as pathogenic or benign to our knowledge

NM_016648.4(LARP7):c.514G>A (p.Glu172Lys)

Genes: LARP7 (La ribonucleoprotein 7, transcriptional regulator; plus strand), MIR302CHG (miR-302/367 cluster host gene; minus strand). Cytogenetic location: 4q25.
Variant type: single nucleotide variant.
Coding change: c.514G>A on transcript NM_016648.4 (MANE Select); coding-DNA position 514, G replaced by A.
Protein change: p.Glu172Lys; replaces glutamic acid 172 with lysine.
Molecular consequence: missense variant. On other transcripts: non-coding transcript variant (3).
Genome position (GRCh38, 1-based): chr4:112,646,917, G>A. VCF-style: chr4-112646917-G-A. GRCh37 (hg19) VCF-style: chr4-113568073-G-A.
Other names: c.514G>A, p.Glu172Lys (NM_001267039.4, NM_001370974.1, NM_001370975.1 and 6 more transcripts); c.277G>A, p.Glu93Lys (NM_001370981.1, NM_001370982.1); c.514G>A (NM_016648.2); short protein forms E172K, E93K.
Identifiers: ClinVar variation 3360510 (VCV003360510.3).